The following is an entry in ClinVar:

ClinVar aggregate classification (germline): Uncertain significance (1 of 4 stars; one submission).

Conditions:
Congenital insensitivity to pain-hypohidrosis syndrome. Also called: HSAN VIII; Neuropathy, hereditary sensory and autonomic, type VIII. Identifiers: Orphanet 478664, MedGen C4225308, MONDO:0014662, OMIM 616488.

Submission:

Labcorp Genetics (formerly Invitae), Labcorp
Classification: Uncertain significance for Congenital insensitivity to pain-hypohidrosis syndrome. Last evaluated: 2024-01-10. Review status: criteria provided, single submitter. Criteria: Invitae Variant Classification Sherloc (09022015). Collection method: clinical testing. Allele origin: germline.
Comment: This sequence change results in a frameshift in the PRDM12 gene (p.Ala329Glyfs*144). While this is not anticipated to result in nonsense mediated decay, it is expected to disrupt the last 39 amino acid(s) of the PRDM12 protein and extend the protein by 104 additional amino acid residues. This variant is not present in population databases (gnomAD no frequency). This variant has not been reported in the literature in individuals affected with PRDM12-related conditions. In summary, the available evidence is currently insufficient to determine the role of this variant in disease. Therefore, it has been classified as a Variant of Uncertain Significance.

NM_021619.3(PRDM12):c.972_985dup (p.Ala329fs)

Gene: PRDM12 (PR/SET domain 12; plus strand). Cytogenetic location: 9q34.12.
Variant type: Duplication.
Coding change: c.972_985dup on transcript NM_021619.3 (MANE Select); coding-DNA positions 972 to 985, 14 bases duplicated (GCCGCCCAGCACCG).
Protein change: p.Ala329fs; shifts the reading frame from alanine 329.
Molecular consequence: frameshift variant.
Genome position (GRCh38, 1-based): chr9:130,681,537-130,681,550, GCCGCCCAGCACCG duplicated; duplicating any 14 consecutive bases within chr9:130,681,531-130,681,550 gives the same sequence; the c. name uses the placement nearest the transcript's 3' end. VCF-style (leftmost placement, unchanged base first): chr9-130681530-G-GGCACCGGCCGCCCA. GRCh37 (hg19) VCF-style: chr9-133556917-G-GGCACCGGCCGCCCA.
Other names: short protein forms A329fs.
Identifiers: ClinVar variation 2867954 (VCV002867954.3), dbSNP rs2490750518, ClinGen allele CA2739265124.